The following is an entry in ClinVar:

NM_000388.4(CASR):c.1110G>A (p.Val370=)

Gene: CASR (calcium sensing receptor; plus strand). Cytogenetic location: 3q21.1.
Variant type: single nucleotide variant.
Coding change: c.1110G>A on transcript NM_000388.4 (MANE Select); coding-DNA position 1110, G replaced by A.
Protein change: p.Val370=; no amino-acid change (valine 370 retained).
Molecular consequence: synonymous variant.
Genome position (GRCh38, 1-based): chr3:122,262,145, G>A. VCF-style: chr3-122262145-G-A. GRCh37 (hg19) VCF-style: chr3-121980992-G-A.
Other names: c.1110G>A, p.Val370= (NM_001178065.2).
Identifiers: ClinVar variation 532610 (VCV000532610.22), dbSNP rs150412204, ClinGen allele CA2569593.

ClinVar aggregate classification (germline): Conflicting classifications of pathogenicity. Review status: criteria provided, conflicting classifications (1 of 4 stars). 4 submissions from 4 submitters: Uncertain significance (1); Likely benign (3). Last evaluated 2026-01-18.

Conditions:
Familial hypocalciuric hypercalcemia (FHH). Also called: Familial benign hypercalcemia. Identifiers: Orphanet 405, MedGen C1809471, MONDO:0018458.
Autosomal dominant hypocalcemia 1 (HYPOC1). Also called: HYPOCALCEMIA, FAMILIAL. Identifiers: MedGen C3715128, MONDO:0011013, OMIM 601198.
Nephrolithiasis/nephrocalcinosis. Identifiers: MedGen CN580796.

Allele frequency attached by ClinVar (database versions not stated): gnomAD 0.00024 and 0.00027; 1000 Genomes Project 0.00040; gnomAD exomes 0.00006 and 0.00003; ExAC 0.00005; TOPMed 0.00032; 1000 Genomes Project 30x 0.00047; ESP Exome Variant Server 0.00015.
gnomAD v4.1: 85 of 1,614,168 alleles (0.0053%); highest among the groups gnomAD compares: African/African-American, 0.1%; no homozygotes.

Submissions (4):

Labcorp Genetics (formerly Invitae), Labcorp
Classification: Likely benign for Familial hypocalciuric hypercalcemia; Autosomal dominant hypocalcemia 1. Last evaluated: 2026-01-18. Review status: criteria provided, single submitter. Criteria: Invitae Variant Classification Sherloc (09022015). Collection method: clinical testing. Allele origin: germline.

Ambry Genetics
Classification: Likely benign for Nephrolithiasis/nephrocalcinosis. Last evaluated: 2024-06-17. Review status: criteria provided, single submitter. Criteria: Ambry Variant Classification Scheme 2023. Collection method: clinical testing. Allele origin: germline.

GeneDx
Classification: Likely benign. Last evaluated: 2020-10-09. Review status: criteria provided, single submitter. Criteria: GeneDx Variant Classification Process June 2021. Collection method: clinical testing. Allele origin: germline. Affected: yes.
Comment: See Variant Classification Assertion Criteria.

Eurofins Ntd Llc (ga)
Classification: Uncertain significance. Last evaluated: 2018-06-26. Review status: criteria provided, single submitter. Criteria: EGL ClinVar v180209 classification definitions. Collection method: clinical testing. Allele origin: germline. Observed: 1 variant allele, 1 heterozygote.